The following is an entry in ClinVar:

ClinVar aggregate classification (germline): Uncertain significance (1 of 4 stars; one submission).

Allele frequency attached by ClinVar (database versions not stated): gnomAD exomes below 0.00001.

Submission:

Labcorp Genetics (formerly Invitae), Labcorp
Classification: Uncertain significance. Last evaluated: 2021-02-12. Review status: criteria provided, single submitter. Criteria: Invitae Variant Classification Sherloc (09022015). Collection method: clinical testing. Allele origin: germline.
Comment: In summary, the available evidence is currently insufficient to determine the role of this variant in disease. Therefore, it has been classified as a Variant of Uncertain Significance. This variant has not been reported in the literature in individuals with NPPC-related conditions. The frequency data for this variant in the population databases is considered unreliable, as metrics indicate insufficient coverage at this position in the ExAC database. This sequence change affects the initiator methionine of the NPPC mRNA. The next in-frame methionine is located at codon p.Met121.

NM_024409.4(NPPC):c.3G>A (p.Met1Ile)

Gene: NPPC (natriuretic peptide C; minus strand). Cytogenetic location: 2q37.1.
Variant type: single nucleotide variant.
Coding change: c.3G>A on transcript NM_024409.4 (MANE Select); coding-DNA position 3, G replaced by A.
Protein change: p.Met1Ile; changes the start codon (methionine 1).
Molecular consequence: missense variant, initiator codon variant.
Genome position (GRCh38, 1-based): chr2:231,926,247, C>T on the plus strand (G>A on the coding strand, the complement: NPPC is on the minus strand). VCF-style: chr2-231926247-C-T. GRCh37 (hg19) VCF-style: chr2-232790957-C-T.
Other names: short protein forms M1I.
Identifiers: ClinVar variation 1462387 (VCV001462387.8), dbSNP rs2106194445, ClinGen allele CA351150573.